The following is an entry in ClinVar:

NM_005334.3(HCFC1):c.4387A>G (p.Ser1463Gly)

Gene: HCFC1 (host cell factor C1; minus strand). Cytogenetic location: Xq28.
Variant type: single nucleotide variant.
Coding change: c.4387A>G on transcript NM_005334.3 (MANE Select); coding-DNA position 4387, A replaced by G.
Protein change: p.Ser1463Gly; replaces serine 1463 with glycine.
Molecular consequence: missense variant.
Genome position (GRCh38, 1-based): chrX:153,953,717, T>C on the plus strand (A>G on the coding strand, the complement: HCFC1 is on the minus strand). VCF-style: chrX-153953717-T-C. GRCh37 (hg19) VCF-style: chrX-153219168-T-C.
Other names: c.4387A>G, p.Ser1463Gly (NM_001410705.1); short protein forms S1463G.
Identifiers: ClinVar variation 3669453 (VCV003669453.2).

ClinVar aggregate classification (germline): Uncertain significance (1 of 4 stars; one submission).

Conditions:
Methylmalonic acidemia with homocystinuria, type cblX (MAHCX). Also called: INTELLECTUAL DEVELOPMENTAL DISORDER, X-LINKED 3. Identifiers: Orphanet 369962, MedGen C0796208, MONDO:0010657, OMIM 309541.

Submission:

Labcorp Genetics (formerly Invitae), Labcorp
Classification: Uncertain significance for Methylmalonic acidemia with homocystinuria, type cblX. Last evaluated: 2024-07-01. Review status: criteria provided, single submitter. Criteria: Invitae Variant Classification Sherloc (09022015). Collection method: clinical testing. Allele origin: germline.
Comment: This sequence change replaces serine, which is neutral and polar, with glycine, which is neutral and non-polar, at codon 1463 of the HCFC1 protein (p.Ser1463Gly). This variant is not present in population databases (gnomAD no frequency). This variant has not been reported in the literature in individuals affected with HCFC1-related conditions. Algorithms developed to predict the effect of missense changes on protein structure and function output the following: SIFT: "Not Available"; PolyPhen-2: "Benign"; Align-GVGD: "Not Available". The glycine amino acid residue is found in multiple mammalian species, which suggests that this missense change does not adversely affect protein function. In summary, the available evidence is currently insufficient to determine the role of this variant in disease. Therefore, it has been classified as a Variant of Uncertain Significance.